The following is an entry in ClinVar:

ClinVar aggregate classification (germline): Uncertain significance. Review status: criteria provided, single submitter (1 of 4 stars). 2 submissions from 2 submitters: Uncertain significance (1). 1 of the submissions does not count toward it. Last evaluated 2021-09-01.

Conditions:
Joubert syndrome 2 (JBTS2). Also called: CEREBELLOOCULORENAL SYNDROME 2. Identifiers: Orphanet 2318, MedGen C1842577, MONDO:0011963, OMIM 608091.
Joubert syndrome. Also called: Familial aplasia of the vermis; CEREBELLOPARENCHYMAL DISORDER IV; JOUBERT-BOLTSHAUSER SYNDROME. Identifiers: Orphanet 475, MedGen C5979921, MONDO:0018772.

Allele frequency attached by ClinVar (database versions not stated): gnomAD below 0.00001 and 0.00001; gnomAD exomes 0.00001.
gnomAD v4.1: 20 of 1,613,898 alleles (0.0012%); highest among the groups gnomAD compares: South Asian, 0.021%; 1 homozygote.

Submissions (2):

Labcorp Genetics (formerly Invitae), Labcorp
Classification: Uncertain significance for Joubert syndrome. Last evaluated: 2021-09-01. Review status: criteria provided, single submitter. Criteria: Invitae Variant Classification Sherloc (09022015). Collection method: clinical testing. Allele origin: germline.
Comment: This sequence change replaces serine with proline at codon 99 of the TMEM216 protein (p.Ser99Pro). The serine residue is highly conserved and there is a moderate physicochemical difference between serine and proline. This variant is not present in population databases (ExAC no frequency). This variant has not been reported in the literature in individuals affected with TMEM216-related conditions. Algorithms developed to predict the effect of missense changes on protein structure and function are either unavailable or do not agree on the potential impact of this missense change (SIFT: "Deleterious"; PolyPhen-2: "Possibly Damaging"; Align-GVGD: "Class C0"). In summary, the available evidence is currently insufficient to determine the role of this variant in disease. Therefore, it has been classified as a Variant of Uncertain Significance.

Natera, Inc.
Classification: Uncertain significance for Joubert syndrome type 2. Last evaluated: 2020-02-21. Review status: no assertion criteria provided. Collection method: clinical testing. Allele origin: germline. Not counted in ClinVar's aggregate classification.

NM_001173990.3(TMEM216):c.295T>C (p.Ser99Pro)

Gene: TMEM216 (transmembrane protein 216; plus strand). Cytogenetic location: 11q12.2.
Variant type: single nucleotide variant.
Coding change: c.295T>C on transcript NM_001173990.3 (MANE Select); coding-DNA position 295, T replaced by C.
Protein change: p.Ser99Pro; replaces serine 99 with proline.
Molecular consequence: missense variant.
Genome position (GRCh38, 1-based): chr11:61,397,839, T>C. VCF-style: chr11-61397839-T-C. GRCh37 (hg19) VCF-style: chr11-61165311-T-C.
Other names: c.295T>C, p.Ser99Pro (NM_001173991.3); c.112T>C, p.Ser38Pro (NM_001330285.2, NM_016499.6); short protein forms S38P, S99P.
Identifiers: ClinVar variation 1041999 (VCV001041999.3), dbSNP rs1238443381, ClinGen allele CA380686116.